The following is an entry in ClinVar:

ClinVar aggregate classification (germline): Pathogenic (1 of 4 stars; one submission).

Conditions:
Hereditary breast ovarian cancer syndrome. Also called: BRCA1- and BRCA2-Associated Hereditary Breast and Ovarian Cancer; Hereditary breast and ovarian cancer syndrome; Hereditary breast and ovarian cancer syndrome (HBOC); Hereditary breast and/or ovarian cancer syndrome; Breast and ovarian cancer; Hereditary breast and ovarian cancer. Identifiers: Orphanet 145, MedGen C0677776, MeSH D061325, MONDO:0003582. Disease mechanism: loss of function.

Submission:

Labcorp Genetics (formerly Invitae), Labcorp
Classification: Pathogenic for Hereditary breast ovarian cancer syndrome. Last evaluated: 2020-01-11. Review status: criteria provided, single submitter. Criteria: Invitae Variant Classification Sherloc (09022015). Collection method: clinical testing. Allele origin: germline.
Comment: This variant has not been reported in the literature in individuals with BRCA2-related conditions. For these reasons, this variant has been classified as Pathogenic. Loss-of-function variants in BRCA2 are known to be pathogenic (PMID: 20104584). This variant is a gross deletion of the genomic region encompassing exons 1-20 of the BRCA2 gene, which includes the initiator codon. The 5' end of this event is unknown as it extends beyond the assayed region for this gene and therefore may encompass additional genes. The 3' boundary is likely confined to intron 20 of the BRCA2 gene. This is expected to result in an absent or disrupted protein product.

Literature cited by the submitters: PubMed 20104584.

NC_000013.11:g.(?_32315480)_(32371120_?)del

Genes: BRCA2 (BRCA2 DNA repair associated; plus strand), LOC130009523 (ATAC-STARR-seq lymphoblastoid active region 7554; plus strand), LOC106721785 (BRCA2 promoter/silencer region; plus strand). Cytogenetic location: 13q13.1.
Variant type: Deletion.
Identifiers: ClinVar variation 660689 (VCV000660689.7).